The following is an entry in ClinVar:

ClinVar aggregate classification (germline): Uncertain significance. Review status: criteria provided, multiple submitters, no conflicts (2 of 4 stars). 6 submissions from 6 submitters: Uncertain significance (6). Last evaluated 2025-09-20.

Conditions:
ANKRD1-related disorder. Also called: ANKRD1-related condition.
ANKRD1-related dilated cardiomyopathy. Identifiers: MedGen CN119551.
Cardiovascular phenotype. Identifiers: MedGen CN230736.
Primary dilated cardiomyopathy (DCM). Also called: Dilated Cardiomyopathy. Identifiers: Orphanet 217604, MedGen C0007193, MeSH D002311, MONDO:0005021, HP:0001644. Inheritance: Various modes of inheritance.

Allele frequency attached by ClinVar (database versions not stated): gnomAD 0.00001 and 0.00007; TOPMed 0.00003; ExAC 0.00011; 1000 Genomes Project 30x 0.00031; 1000 Genomes Project 0.00040.

Submissions (6):

Labcorp Genetics (formerly Invitae), Labcorp
Classification: Uncertain significance for ANKRD1-related dilated cardiomyopathy. Last evaluated: 2025-09-20. Review status: criteria provided, single submitter. Criteria: Invitae Variant Classification Sherloc (09022015). Collection method: clinical testing. Allele origin: germline.
Comment: This sequence change affects the initiator codon of the ANKRD1 mRNA. This change may impact translation initiation or efficiency. The next in-frame methionine is located at codon 2. This variant is present in population databases (rs188706671, gnomAD 0.03%). This variant has not been reported in the literature in individuals affected with ANKRD1-related conditions. ClinVar contains an entry for this variant (Variation ID: 301609). Experimental studies and prediction algorithms are not available or were not evaluated, and the functional significance of this variant is currently unknown. In summary, the available evidence is currently insufficient to determine the role of this variant in disease. Therefore, it has been classified as a Variant of Uncertain Significance.

PreventionGenetics, part of Exact Sciences
Classification: Uncertain significance for ANKRD1-related condition. Last evaluated: 2025-08-30. Review status: criteria provided, single submitter. Criteria: ACMG Guidelines, 2015. Collection method: clinical testing. Allele origin: germline.
Comment: The ANKRD1 c.3G>C variant is predicted to disrupt the translation initiation site (Start loss). To our knowledge, this variant has not been reported in the literature. This variant is reported in 0.029% of alleles in individuals of South Asian descent in gnomAD and is interpreted as uncertain in ClinVar (Variation ID: 301609). Other start loss variants have not been reported in the literature in individuals with ANKRD1-related disorders. At this time, the clinical significance of this variant is uncertain due to the absence of conclusive functional and genetic evidence.

Ambry Genetics
Classification: Uncertain significance for Cardiovascular phenotype. Last evaluated: 2025-03-12. Review status: criteria provided, single submitter. Criteria: Ambry Variant Classification Scheme 2023. Collection method: clinical testing. Allele origin: germline.
Comment: The p.M1? variant (also known as c.3G>C) is located in coding exon 1 of the ANKRD1 gene and results from a G to C substitution at nucleotide position 3. This alters the methionine residue at the initiation codon (ATG). Variations that modify the initiation codon (ATG) are expected to result in either loss of translation initiation, N-terminal truncation, or cause a shift in the mRNA reading frame; however, the evidence for this gene-disease relationship is limited; therefore, the clinical significance of this alteration is unclear.

GeneDx
Classification: Uncertain significance. Last evaluated: 2022-11-02. Review status: criteria provided, single submitter. Criteria: GeneDx Variant Classification Process June 2021. Collection method: clinical testing. Allele origin: germline. Affected: yes.
Comment: Initiation codon variant in a gene for which loss of function is not a known mechanism of disease; Has not been previously published as pathogenic or benign to our knowledge

Illumina Laboratory Services, Illumina
Classification: Uncertain significance for Primary dilated cardiomyopathy. Last evaluated: 2018-01-13. Review status: criteria provided, single submitter. Criteria: ICSL Variant Classification Criteria 13 December 2019. Collection method: clinical testing. Allele origin: germline.

Breakthrough Genomics
Classification: Uncertain significance. Review status: criteria provided, single submitter. Criteria: ACMG Guidelines, 2015. Collection method: not provided. Allele origin: germline. Inheritance: Unknown mechanism. Affected: yes.

NM_014391.3(ANKRD1):c.3G>C (p.Met1Ile)

Gene: ANKRD1 (ankyrin repeat domain 1; minus strand). Cytogenetic location: 10q23.31.
Variant type: single nucleotide variant.
Coding change: c.3G>C on transcript NM_014391.3 (MANE Select); coding-DNA position 3, G replaced by C.
Protein change: p.Met1Ile; changes the start codon (methionine 1).
Molecular consequence: missense variant, initiator codon variant.
Genome position (GRCh38, 1-based): chr10:90,921,025, C>G on the plus strand (G>C on the coding strand, the complement: ANKRD1 is on the minus strand). VCF-style: chr10-90921025-C-G. GRCh37 (hg19) VCF-style: chr10-92680782-C-G.
Other names: short protein forms M1I.
Identifiers: ClinVar variation 301609 (VCV000301609.21), dbSNP rs188706671, ClinGen allele CA5598881.